The following is an entry in ClinVar:

NM_000428.3(LTBP2):c.4964_4965del (p.Gly1654_Tyr1655insTer)

Gene: LTBP2 (latent transforming growth factor beta binding protein 2; minus strand). Cytogenetic location: 14q24.3.
Variant type: Deletion.
Coding change: c.4964_4965del on transcript NM_000428.3 (MANE Select); coding-DNA positions 4964 to 4965, 2 bases deleted (AT; older notation c.4964_4965delAT).
Protein change: p.Gly1654_Tyr1655insTer.
Molecular consequence: nonsense.
Genome position (GRCh38, 1-based): chr14:74,502,858-74,502,859, AT deleted on the plus strand (AT on the coding strand, the reverse complement: LTBP2 is on the minus strand); deleting any 2 consecutive bases within chr14:74,502,858-74,502,860 gives the same sequence; the c. name uses the placement nearest the transcript's 3' end. VCF-style (leftmost placement, unchanged base first): chr14-74502857-CAT-C. GRCh37 (hg19) VCF-style: chr14-74969560-CAT-C.
Identifiers: ClinVar variation 4754636 (VCV004754636.1).

ClinVar aggregate classification (germline): Pathogenic (1 of 4 stars; one submission).

Submission:

Labcorp Genetics (formerly Invitae), Labcorp
Classification: Pathogenic. Last evaluated: 2025-11-06. Review status: criteria provided, single submitter. Criteria: Invitae Variant Classification Sherloc (09022015). Collection method: clinical testing. Allele origin: germline.
Comment: This sequence change creates a premature translational stop signal (p.Tyr1655*) in the LTBP2 gene. It is expected to result in an absent or disrupted protein product. Loss-of-function variants in LTBP2 are known to be pathogenic (PMID: 19361779, 19656777, 22025892). This variant is not present in population databases (gnomAD no frequency). This variant has not been reported in the literature in individuals affected with LTBP2-related conditions. For these reasons, this variant has been classified as Pathogenic.

Literature cited by the submitters: PubMed 19361779; PubMed 19656777; PubMed 22025892.